The following is an entry in ClinVar:

ClinVar aggregate classification (germline): Uncertain significance. Review status: criteria provided, multiple submitters, no conflicts (2 of 4 stars). 5 submissions from 5 submitters: Uncertain significance (3). 2 of the submissions do not count toward it. Last evaluated 2025-12-09.

Conditions:
Retinal dystrophy. Also called: Inherited retinal dystrophy. Identifiers: Orphanet 71862, MedGen C0854723, MeSH D058499, MONDO:0019118, HP:0000556.
Retinitis pigmentosa 25 (RP25). Identifiers: Orphanet 791, MedGen C1864446, MONDO:0011272, OMIM 602772.

Allele frequency attached by ClinVar (database versions not stated): TOPMed below 0.00001.
gnomAD v4.1: 6 of 1,551,692 alleles (0.00039%); highest among the groups gnomAD compares: Non-Finnish European, 0.00052%; no homozygotes.

Submissions (5):

Labcorp Genetics (formerly Invitae), Labcorp
Classification: Uncertain significance. Last evaluated: 2025-12-09. Review status: criteria provided, single submitter. Criteria: Invitae Variant Classification Sherloc (09022015). Collection method: clinical testing. Allele origin: germline.
Comment: This sequence change replaces cysteine, which is neutral and slightly polar, with tyrosine, which is neutral and polar, at codon 2939 of the EYS protein (p.Cys2939Tyr). This variant is not present in population databases (gnomAD no frequency). This missense change has been observed in individuals with clinical features of EYS-related conditions (PMID: 34906470, 39202371; internal data). ClinVar contains an entry for this variant (Variation ID: 1039939). Invitae Evidence Modeling of protein sequence and biophysical properties (such as structural, functional, and spatial information, amino acid conservation, physicochemical variation, residue mobility, and thermodynamic stability) indicates that this missense variant is expected to disrupt EYS protein function with a positive predictive value of 80%. This variant disrupts the p.Cys2939 amino acid residue in EYS. Other variant(s) that disrupt this residue have been observed in individuals with EYS-related conditions (PMID: 34906470), which suggests that this may be a clinically significant amino acid residue. In summary, the available evidence is currently insufficient to determine the role of this variant in disease. Therefore, it has been classified as a Variant of Uncertain Significance.

Blueprint Genetics
Classification: Uncertain significance. Last evaluated: 2021-09-17. Review status: criteria provided, single submitter. Criteria: ACMG Guidelines, 2015. Collection method: clinical testing. Allele origin: germline.

Ocular Genomics Institute, Massachusetts Eye and Ear
Classification: Uncertain significance for Retinitis pigmentosa 25. Last evaluated: 2021-04-08. Review status: criteria provided, single submitter. Criteria: ACMG Guidelines, 2015. Collection method: research. Allele origin: germline. Affected: yes.
Comment: Through a review of available evidence we were able to apply the following criteria: PM2, PM5. Based on this evidence we have classified this variant as Variant of Uncertain Significance.

Institute of Human Genetics, Univ. Regensburg, Univ. Regensburg
Classification: Likely pathogenic for Retinal dystrophy. Last evaluated: 2023-01-01. Review status: no assertion criteria provided. Criteria: ACMG Guidelines, 2015. Collection method: clinical testing. Allele origin: germline. Affected: yes. Not counted in ClinVar's aggregate classification.

Natera, Inc.
Classification: Uncertain significance for Retinitis pigmentosa type 25. Last evaluated: 2020-02-24. Review status: no assertion criteria provided. Collection method: clinical testing. Allele origin: germline. Not counted in ClinVar's aggregate classification.

Literature cited by the submitters: PubMed 34906470 (cited by Labcorp Genetics (formerly Invitae), Labcorp); PubMed 39202371 (cited by Labcorp Genetics (formerly Invitae), Labcorp).

NM_001142800.2(EYS):c.8816G>A (p.Cys2939Tyr)

Genes: EYS (EGF-like photoreceptor maintenance factor; minus strand), PHF3 (PHD finger protein 3; plus strand). Cytogenetic location: 6q12.
Variant type: single nucleotide variant.
Coding change: c.8816G>A on transcript NM_001142800.2 (MANE Select); coding-DNA position 8816, G replaced by A.
Protein change: p.Cys2939Tyr; replaces cysteine 2939 with tyrosine.
Molecular consequence: missense variant. On other transcripts: 3 prime UTR variant (5).
Genome position (GRCh38, 1-based): chr6:63,721,215, C>T on the plus strand (G>A on the coding strand, the complement: EYS is on the minus strand). VCF-style: chr6-63721215-C-T. GRCh37 (hg19) VCF-style: chr6-64431111-C-T.
Other names: c.*7507C>T (NM_001290259.2, NM_001370348.2, NM_001370349.2 and 2 more transcripts); c.8879G>A, p.Cys2960Tyr (NM_001292009.2); short protein forms C2960Y, C2939Y.
Identifiers: ClinVar variation 1039939 (VCV001039939.11), dbSNP rs1582139965, ClinGen allele CA364383911.
Genomic context (GRCh38, chr6:63,721,215, plus strand): 5'-AATTTTGCAGTTGAAAATGAAGTTTTGTTTTCACAATACCTTCCCACCCAACCCAAAGTA[C>T]ACAGGCAACTGTAAGAAAATGATTGGTCAGGTATACATAAAGATTGGTGGAGGCAAAGAT-3'
Protein context (NP_001136272.1, residues 2929-2949): PDQSFSYSCL[Cys2939Tyr]TLGWVGRYCE